The following is an entry in ClinVar:

ClinVar aggregate classification (germline): Likely benign. Review status: criteria provided, single submitter (1 of 4 stars). 2 submissions from 2 submitters: Likely benign (1). 1 of the submissions does not count toward it. Last evaluated 2024-01-23.

Conditions:
P4HB-related disorder. Also called: P4HB-related condition.

gnomAD v4.1: 10 of 1,613,844 alleles (0.00062%); highest among the groups gnomAD compares: Middle Eastern, 0.017%; no homozygotes.

Submissions (2):

Blueprint Genetics
Classification: Likely benign. Last evaluated: 2024-01-23. Review status: criteria provided, single submitter. Criteria: ACMG Guidelines, 2015. Collection method: clinical testing. Allele origin: germline.

PreventionGenetics, part of Exact Sciences
Classification: Likely benign for P4HB-related condition. Last evaluated: 2019-09-17. Review status: no assertion criteria provided. Collection method: clinical testing. Allele origin: germline. Not counted in ClinVar's aggregate classification.
Comment: This variant is classified as likely benign based on ACMG/AMP sequence variant interpretation guidelines (Richards et al. 2015 PMID: 25741868, with internal and published modifications).

NM_000918.4(P4HB):c.1228C>T (p.Leu410=)

Gene: P4HB (prolyl 4-hydroxylase subunit beta; minus strand). Cytogenetic location: 17q25.3.
Variant type: single nucleotide variant.
Coding change: c.1228C>T on transcript NM_000918.4 (MANE Select); coding-DNA position 1228, C replaced by T.
Protein change: p.Leu410=; no amino-acid change (leucine 410 retained).
Molecular consequence: synonymous variant.
Genome position (GRCh38, 1-based): chr17:81,845,692, G>A on the plus strand (C>T on the coding strand, the complement: P4HB is on the minus strand). VCF-style: chr17-81845692-G-A. GRCh37 (hg19) VCF-style: chr17-79803568-G-A.
Identifiers: ClinVar variation 3355880 (VCV003355880.2).